The following is an entry in ClinVar:

NM_000548.5(TSC2):c.481+3G>C

Gene: TSC2 (TSC complex subunit 2; plus strand). Cytogenetic location: 16p13.3.
Variant type: single nucleotide variant.
Coding change: c.481+3G>C on transcript NM_000548.5 (MANE Select); 3 bases into the intron after coding-DNA position 481, G replaced by C.
Molecular consequence: intron variant.
Genome position (GRCh38, 1-based): chr16:2,054,443, G>C. VCF-style: chr16-2054443-G-C. GRCh37 (hg19) VCF-style: chr16-2104444-G-C.
Other names: c.571+3G>C (NM_001406667.1, NM_001406668.1); c.-336+3G>C (NM_001406680.1, NM_001406683.1, NM_001406687.1); c.-951+3G>C (NM_001406689.1, NM_001406690.1, NM_001406692.1 and 2 more transcripts); c.-1127+3G>C (NM_001406698.1); c.481+3G>C (NM_001114382.3, NM_001406663.1, NM_001406664.1 and 8 more transcripts); c.-832+3G>C (NM_001406694.1, NM_001406695.1); c.-939+3G>C (NM_001406696.1); c.36+3G>C (NM_001406681.1); and 6 more.
Identifiers: ClinVar variation 2701119 (VCV002701119.3), dbSNP rs2085516860, ClinGen allele CA2697549543.

ClinVar aggregate classification (germline): Uncertain significance (1 of 4 stars; one submission).

Conditions:
Tuberous sclerosis 2 (TSC2). Identifiers: Orphanet 805, MedGen C1860707, MONDO:0013199, OMIM 613254.

Submission:

Labcorp Genetics (formerly Invitae), Labcorp
Classification: Uncertain significance for Tuberous sclerosis 2. Last evaluated: 2023-03-22. Review status: criteria provided, single submitter. Criteria: Invitae Variant Classification Sherloc (09022015). Collection method: clinical testing. Allele origin: germline.
Comment: This sequence change falls in intron 5 of the TSC2 gene. It does not directly change the encoded amino acid sequence of the TSC2 protein. It affects a nucleotide within the consensus splice site. This variant is not present in population databases (gnomAD no frequency). This variant has not been reported in the literature in individuals affected with TSC2-related conditions. Variants that disrupt the consensus splice site are a relatively common cause of aberrant splicing (PMID: 17576681, 9536098). Algorithms developed to predict the effect of sequence changes on RNA splicing suggest that this variant may create or strengthen a splice site. In summary, the available evidence is currently insufficient to determine the role of this variant in disease. Therefore, it has been classified as a Variant of Uncertain Significance.

Literature cited by the submitters: PubMed 17576681; PubMed 9536098.